The following is an entry in ClinVar:

ClinVar aggregate classification (germline): Uncertain significance (1 of 4 stars; one submission).

Conditions:
GM3 synthase deficiency (SPDRS). Also called: AMISH INFANTILE EPILEPSY SYNDROME; SALT AND PEPPER MENTAL RETARDATION SYNDROME; SALT AND PEPPER DEVELOPMENTAL REGRESSION SYNDROME. Identifiers: Orphanet 171714, Orphanet 370933, MedGen C1836824, MONDO:0018274, OMIM 609056.

Allele frequency attached by ClinVar (database versions not stated): gnomAD exomes below 0.00001.
gnomAD v4.1: 3 of 1,614,226 alleles (0.00019%); highest among the groups gnomAD compares: Non-Finnish European, 0.00025%; no homozygotes.

Submission:

Labcorp Genetics (formerly Invitae), Labcorp
Classification: Uncertain significance for GM3 synthase deficiency. Last evaluated: 2020-02-10. Review status: criteria provided, single submitter. Criteria: Invitae Variant Classification Sherloc (09022015). Collection method: clinical testing. Allele origin: germline.
Comment: This sequence change replaces threonine with alanine at codon 239 of the ST3GAL5 protein (p.Thr239Ala). The threonine residue is highly conserved and there is a small physicochemical difference between threonine and alanine. This variant is not present in population databases (ExAC no frequency). This variant has not been reported in the literature in individuals with ST3GAL5-related conditions. In summary, the available evidence is currently insufficient to determine the role of this variant in disease. Therefore, it has been classified as a Variant of Uncertain Significance. Algorithms developed to predict the effect of missense changes on protein structure and function (SIFT, PolyPhen-2, Align-GVGD) all suggest that this variant is likely to be disruptive, but these predictions have not been confirmed by published functional studies and their clinical significance is uncertain.

NM_003896.4(ST3GAL5):c.715A>G (p.Thr239Ala)

Gene: ST3GAL5 (ST3 beta-galactoside alpha-2,3-sialyltransferase 5; minus strand). Cytogenetic location: 2p11.2.
Variant type: single nucleotide variant.
Coding change: c.715A>G on transcript NM_003896.4 (MANE Select); coding-DNA position 715, A replaced by G.
Protein change: p.Thr239Ala; replaces threonine 239 with alanine.
Molecular consequence: missense variant. On other transcripts: 5 prime UTR variant (1).
Genome position (GRCh38, 1-based): chr2:85,846,511, T>C on the plus strand (A>G on the coding strand, the complement: ST3GAL5 is on the minus strand). VCF-style: chr2-85846511-T-C. GRCh37 (hg19) VCF-style: chr2-86073634-T-C.
Other names: c.646A>G, p.Thr216Ala (NM_001042437.2); c.331A>G, p.Thr111Ala (NM_001354223.2, NM_001354224.2, NM_001354226.2 and 3 more transcripts); c.631A>G, p.Thr211Ala (NM_001354227.2, NM_001354229.2, NM_001354238.1); c.-9A>G (NM_001354247.1); c.715A>G, p.Thr239Ala (NM_001363847.1); short protein forms T211A, T216A, T111A, T239A.
Identifiers: ClinVar variation 840168 (VCV000840168.10), dbSNP rs1682811858, ClinGen allele CA347531180.